The following is an entry in ClinVar:

ClinVar aggregate classification (germline): Benign/Likely benign. Review status: criteria provided, multiple submitters, no conflicts (2 of 4 stars). 3 submissions from 3 submitters: Benign (1); Likely benign (2). Last evaluated 2026-07-01.

Conditions:
Inborn genetic diseases. Identifiers: MedGen C0950123, MeSH D030342.

Allele frequency attached by ClinVar (database versions not stated): gnomAD 0.00001; gnomAD exomes 0.00001.
gnomAD v4.1: 14 of 1,612,922 alleles (0.00087%); highest among the groups gnomAD compares: Non-Finnish European, 0.0012%; no homozygotes.

Submissions (3):

CeGaT Center for Human Genetics Tuebingen
Classification: Likely benign. Last evaluated: 2026-07-01. Review status: criteria provided, single submitter. Criteria: CeGaT Center For Human Genetics Tuebingen Variant Classification Criteria Version 2. Collection method: clinical testing. Allele origin: germline. Affected: yes. Observed: 2 variant alleles.
Comment: RAI1: BP4, BS2

Labcorp Genetics (formerly Invitae), Labcorp
Classification: Benign. Last evaluated: 2024-06-17. Review status: criteria provided, single submitter. Criteria: Invitae Variant Classification Sherloc (09022015). Collection method: clinical testing. Allele origin: germline.

Ambry Genetics
Classification: Likely benign for Inborn genetic diseases. Last evaluated: 2023-12-16. Review status: criteria provided, single submitter. Criteria: Ambry Variant Classification Scheme 2023. Collection method: clinical testing. Allele origin: germline.

NM_030665.4(RAI1):c.2912C>T (p.Ser971Phe)

Gene: RAI1 (retinoic acid induced 1; plus strand). Cytogenetic location: 17p11.2.
Variant type: single nucleotide variant.
Coding change: c.2912C>T on transcript NM_030665.4 (MANE Select); coding-DNA position 2912, C replaced by T.
Protein change: p.Ser971Phe; replaces serine 971 with phenylalanine.
Molecular consequence: missense variant.
Genome position (GRCh38, 1-based): chr17:17,795,860, C>T. VCF-style: chr17-17795860-C-T. GRCh37 (hg19) VCF-style: chr17-17699174-C-T.
Other names: c.2912C>T (NM_030665.3); short protein forms S971F.
Identifiers: ClinVar variation 1407944 (VCV001407944.32), dbSNP rs1429295079, ClinGen allele CA398552319.